The following is an entry in ClinVar:

ClinVar aggregate classification (germline): Likely pathogenic (1 of 4 stars; one submission).

Allele frequency attached by ClinVar (database versions not stated): gnomAD exomes below 0.00001.
gnomAD v4.1: 1 of 1,613,738 alleles (0.000062%); highest among the groups gnomAD compares: East Asian, 0.0022%; no homozygotes.

Submission:

Labcorp Genetics (formerly Invitae), Labcorp
Classification: Likely pathogenic. Last evaluated: 2022-03-26. Review status: criteria provided, single submitter. Criteria: Invitae Variant Classification Sherloc (09022015). Collection method: clinical testing. Allele origin: germline.
Comment: This sequence change affects a donor splice site in intron 97 of the COL7A1 gene. It is expected to disrupt splicing. Variants that disrupt the donor or acceptor splice site typically lead to a loss of protein function (PMID: 16199547), and loss-of-function variants in COL7A1 are known to be disease-causing for autosomal recessive dystrophic epidermolysis bullosa (PMID: 16971478). However, certain variants affecting donor or acceptor splice sites in the triple helical domain of COL7A1 are expected to result in in-frame exon skipping and have been reported to cause autosomal dominant dystrophic epidermolysis bullosa (PMID: 31670143). In summary, the currently available evidence indicates that the variant is pathogenic, but additional data are needed to prove that conclusively. Therefore, this variant has been classified as Likely Pathogenic. Algorithms developed to predict the effect of sequence changes on RNA splicing suggest that this variant may disrupt the consensus splice site. This variant has not been reported in the literature in individuals affected with COL7A1-related conditions. This variant is not present in population databases (gnomAD no frequency).

Literature cited by the submitters: PubMed 16199547; PubMed 16971478; PubMed 31670143.

NM_000094.4(COL7A1):c.7440+1G>A

Gene: COL7A1 (collagen type VII alpha 1 chain; minus strand). Cytogenetic location: 3p21.31.
Variant type: single nucleotide variant.
Coding change: c.7440+1G>A on transcript NM_000094.4 (MANE Select); the canonical splice donor site of the intron after coding-DNA position 7440, G replaced by A.
Molecular consequence: splice donor variant.
Genome position (GRCh38, 1-based): chr3:48,570,274, C>T on the plus strand (G>A on the coding strand, the complement: COL7A1 is on the minus strand). VCF-style: chr3-48570274-C-T. GRCh37 (hg19) VCF-style: chr3-48607707-C-T.
Identifiers: ClinVar variation 2180740 (VCV002180740.4), dbSNP rs1575424399, ClinGen allele CA352646027.